The following is an entry in ClinVar:

ClinVar aggregate classification (germline): Benign. Review status: criteria provided, multiple submitters, no conflicts (2 of 4 stars). 2 submissions from 2 submitters: Benign (2). Last evaluated 2025-03-04.

Allele frequency attached by ClinVar (database versions not stated): ESP Exome Variant Server 0.00169; gnomAD 0.00179 and 0.00380; TOPMed 0.00214; gnomAD exomes 0.00949; 1000 Genomes Project 30x 0.01405; 1000 Genomes Project 0.01478.

Submissions (2):

Center for Genomic Medicine, Rigshospitalet, Copenhagen University Hospital
Classification: Benign. Last evaluated: 2025-03-04. Review status: criteria provided, single submitter. Criteria: ACMG Guidelines, 2015. Collection method: clinical testing. Allele origin: germline.

GeneDx
Classification: Benign. Last evaluated: 2018-06-14. Review status: criteria provided, single submitter. Criteria: GeneDx Variant Classification (06012015). Collection method: clinical testing. Allele origin: germline. Affected: yes.
Comment: This variant is considered likely benign or benign based on one or more of the following criteria: it is a conservative change, it occurs at a poorly conserved position in the protein, it is predicted to be benign by multiple in silico algorithms, and/or has population frequency not consistent with disease.

NM_000075.4(CDK4):c.355-48G>C

Gene: CDK4 (cyclin dependent kinase 4; minus strand). Cytogenetic location: 12q14.1.
Variant type: single nucleotide variant.
Coding change: c.355-48G>C on transcript NM_000075.4 (MANE Select); 48 bases into the intron before coding-DNA position 355, G replaced by C.
Molecular consequence: intron variant.
Genome position (GRCh38, 1-based): chr12:57,751,138, C>G on the plus strand (G>C on the coding strand, the complement: CDK4 is on the minus strand). VCF-style: chr12-57751138-C-G. GRCh37 (hg19) VCF-style: chr12-58144921-C-G.
Identifiers: ClinVar variation 675303 (VCV000675303.8), dbSNP rs3211614, ClinGen allele CA6657825.